The following is an entry in ClinVar:

NM_020975.6(RET):c.817C>G (p.Pro273Ala)

Gene: RET (ret proto-oncogene; plus strand). Cytogenetic location: 10q11.21.
Variant type: single nucleotide variant.
Coding change: c.817C>G on transcript NM_020975.6 (MANE Select); coding-DNA position 817, C replaced by G.
Protein change: p.Pro273Ala; replaces proline 273 with alanine.
Molecular consequence: missense variant.
Genome position (GRCh38, 1-based): chr10:43,105,143, C>G. VCF-style: chr10-43105143-C-G. GRCh37 (hg19) VCF-style: chr10-43600591-C-G.
Other names: c.817C>G, p.Pro273Ala (NM_000323.2, NM_001406743.1, NM_001406744.1 and 8 more transcripts); c.55C>G, p.Pro19Ala (NM_001355216.2); c.688C>G, p.Pro230Ala (NM_001406761.1, NM_001406762.1, NM_001406764.1 and 2 more transcripts); c.529C>G, p.Pro177Ala (NM_001406766.1, NM_001406767.1, NM_001406770.1); short protein forms P273A, P19A, P177A, P230A.
Identifiers: ClinVar variation 827490 (VCV000827490.7), dbSNP rs1588866219, ClinGen allele CA376545196.

ClinVar aggregate classification (germline): Uncertain significance (1 of 4 stars; one submission).

Conditions:
Hereditary cancer-predisposing syndrome. Also called: Neoplastic Syndromes, Hereditary; Tumor predisposition; Hereditary neoplastic syndrome; Hereditary Cancer Syndrome. Identifiers: Orphanet 140162, MedGen C0027672, MeSH D009386, MONDO:0015356.

Submission:

Ambry Genetics
Classification: Uncertain significance for Hereditary cancer-predisposing syndrome. Last evaluated: 2023-06-02. Review status: criteria provided, single submitter. Criteria: Ambry Variant Classification Scheme 2023. Collection method: clinical testing. Allele origin: germline.
Comment: The p.P273A variant (also known as c.817C>G), located in coding exon 4 of the RET gene, results from a C to G substitution at nucleotide position 817. The proline at codon 273 is replaced by alanine, an amino acid with highly similar properties. This amino acid position is poorly conserved in available vertebrate species. In addition, this alteration is predicted to be tolerated by in silico analysis. Since supporting evidence is limited at this time, the clinical significance of this alteration remains unclear.